The following is an entry in ClinVar:

NM_004655.4(AXIN2):c.1429T>G (p.Tyr477Asp)

Gene: AXIN2 (axin 2; minus strand). Cytogenetic location: 17q24.1.
Variant type: single nucleotide variant.
Coding change: c.1429T>G on transcript NM_004655.4 (MANE Select); coding-DNA position 1429, T replaced by G.
Protein change: p.Tyr477Asp; replaces tyrosine 477 with aspartic acid.
Molecular consequence: missense variant.
Genome position (GRCh38, 1-based): chr17:65,537,607, A>C on the plus strand (T>G on the coding strand, the complement: AXIN2 is on the minus strand). VCF-style: chr17-65537607-A-C. GRCh37 (hg19) VCF-style: chr17-63533725-A-C.
Other names: c.1429T>G, p.Tyr477Asp (NM_001363813.1); short protein forms Y477D.
Identifiers: ClinVar variation 1718161 (VCV001718161.7), dbSNP rs1555577851, ClinGen allele CA400677516.

ClinVar aggregate classification (germline): Uncertain significance. Review status: criteria provided, multiple submitters, no conflicts (2 of 4 stars). 2 submissions from 2 submitters: Uncertain significance (2). Last evaluated 2025-11-25.

Conditions:
Hereditary cancer-predisposing syndrome. Also called: Hereditary neoplastic syndrome; Neoplastic Syndromes, Hereditary; Hereditary Cancer Syndrome; Tumor predisposition. Identifiers: Orphanet 140162, MedGen C0027672, MeSH D009386, MONDO:0015356.
Oligodontia-cancer predisposition syndrome. Also called: TOOTH AGENESIS-COLORECTAL CANCER SYNDROME. Identifiers: Orphanet 300576, MedGen C1837750, MONDO:0012075, OMIM 608615. Disease mechanism: loss of function.

Submissions (2):

Labcorp Genetics (formerly Invitae), Labcorp
Classification: Uncertain significance for Oligodontia-cancer predisposition syndrome. Last evaluated: 2025-11-25. Review status: criteria provided, single submitter. Criteria: Invitae Variant Classification Sherloc (09022015). Collection method: clinical testing. Allele origin: germline.
Comment: This sequence change replaces tyrosine, which is neutral and polar, with aspartic acid, which is acidic and polar, at codon 477 of the AXIN2 protein (p.Tyr477Asp). This variant is not present in population databases (gnomAD no frequency). This variant has not been reported in the literature in individuals affected with AXIN2-related conditions. ClinVar contains an entry for this variant (Variation ID: 1718161). An algorithm developed to predict the effect of missense changes on protein structure and function (PolyPhen-2) suggests that this variant is likely to be tolerated. In summary, the available evidence is currently insufficient to determine the role of this variant in disease. Therefore, it has been classified as a Variant of Uncertain Significance.

Ambry Genetics
Classification: Uncertain significance for Hereditary cancer-predisposing syndrome. Last evaluated: 2022-09-28. Review status: criteria provided, single submitter. Criteria: Ambry Variant Classification Scheme 2023. Collection method: clinical testing. Allele origin: germline.
Comment: The p.Y477D variant (also known as c.1429T>G), located in coding exon 5 of the AXIN2 gene, results from a T to G substitution at nucleotide position 1429. The tyrosine at codon 477 is replaced by aspartic acid, an amino acid with highly dissimilar properties. This amino acid position is conserved. In addition, this alteration is predicted to be tolerated by in silico analysis. Since supporting evidence is limited at this time, the clinical significance of this alteration remains unclear.